The following is an entry in ClinVar:

ClinVar aggregate classification (germline): Uncertain significance (0 of 4 stars; one submission).

Conditions:
Prostate cancer. Also called: Malignant tumor of prostate. Identifiers: Orphanet 1331, MedGen C0376358, MONDO:0008315, HP:0012125.

Submission:

Science for Life laboratory,  Karolinska Institutet
Classification: Uncertain significance for Malignant tumor of prostate. Review status: no assertion criteria provided. Collection method: not provided. Allele origin: somatic.
Comment: TumorID:SWE-5
ClinVar note: Converted during submission from Unknown to Uncertain significance.

NM_014258.4(SYCP2):c.2365-8T>C

Gene: SYCP2 (synaptonemal complex protein 2; minus strand). Cytogenetic location: 20q13.33.
Variant type: single nucleotide variant.
Coding change: c.2365-8T>C on transcript NM_014258.4 (MANE Select); 8 bases into the intron before coding-DNA position 2365, T replaced by C.
Molecular consequence: intron variant.
Genome position (GRCh38, 1-based): chr20:59,886,842, A>G on the plus strand (T>C on the coding strand, the complement: SYCP2 is on the minus strand). VCF-style: chr20-59886842-A-G. GRCh37 (hg19) VCF-style: chr20-58461897-A-G.
Identifiers: ClinVar variation 161672 (VCV000161672.2), dbSNP rs193921008, ClinGen allele CA174573.